The following is an entry in ClinVar:

ClinVar aggregate classification (germline): Uncertain significance (1 of 4 stars; one submission).

Submission:

Labcorp Genetics (formerly Invitae), Labcorp
Classification: Uncertain significance. Last evaluated: 2025-05-15. Review status: criteria provided, single submitter. Criteria: Invitae Variant Classification Sherloc (09022015). Collection method: clinical testing. Allele origin: germline.
Comment: This sequence change falls in intron 14 of the RPS6KC1 gene. It does not directly change the encoded amino acid sequence of the RPS6KC1 protein. It affects a nucleotide within the consensus splice site. This variant is not present in population databases (gnomAD no frequency). This variant has not been reported in the literature in individuals affected with RPS6KC1-related conditions. Variants that disrupt the consensus splice site are a relatively common cause of aberrant splicing (PMID: 17576681, 9536098). Algorithms developed to predict the effect of sequence changes on RNA splicing suggest that this variant is not likely to affect RNA splicing. In summary, the available evidence is currently insufficient to determine the role of this variant in disease. Therefore, it has been classified as a Variant of Uncertain Significance.

Literature cited by the submitters: PubMed 17576681; PubMed 9536098.

NM_012424.6(RPS6KC1):c.3090+6T>A

Gene: RPS6KC1 (ribosomal protein S6 kinase C1; plus strand). Cytogenetic location: 1q32.3.
Variant type: single nucleotide variant.
Coding change: c.3090+6T>A on transcript NM_012424.6 (MANE Select); 6 bases into the intron after coding-DNA position 3090, T replaced by A.
Molecular consequence: intron variant.
Genome position (GRCh38, 1-based): chr1:213,262,822, T>A. VCF-style: chr1-213262822-T-A. GRCh37 (hg19) VCF-style: chr1-213436165-T-A.
Other names: c.2547+6T>A (NM_001349651.2, NM_001349650.2, NM_001349649.2 and 4 more transcripts); c.2034+6T>A (NM_001349660.2, NM_001349659.2, NM_001349662.2 and 1 more transcripts); c.1695+6T>A (NM_001349669.2, NM_001349666.2, NM_001349664.2 and 7 more transcripts); c.2454+6T>A (NM_001349654.2, NM_001287219.3, NM_001287218.3); c.2199+6T>A (NM_001349658.2, NM_001349657.2); c.2997+6T>A (NM_001349646.2); c.2727+6T>A (NM_001349647.2); c.1605+6T>A (NM_001349672.2); and 1 more.
Identifiers: ClinVar variation 4718303 (VCV004718303.1).